The following is an entry in ClinVar:

NM_003749.3(IRS2):c.2635G>A (p.Gly879Ser)

Gene: IRS2 (insulin receptor substrate 2; minus strand). Cytogenetic location: 13q34.
Variant type: single nucleotide variant.
Coding change: c.2635G>A on transcript NM_003749.3 (MANE Select); coding-DNA position 2635, G replaced by A.
Protein change: p.Gly879Ser; replaces glycine 879 with serine.
Molecular consequence: missense variant.
Genome position (GRCh38, 1-based): chr13:109,783,419, C>T on the plus strand (G>A on the coding strand, the complement: IRS2 is on the minus strand). VCF-style: chr13-109783419-C-T. GRCh37 (hg19) VCF-style: chr13-110435766-C-T.
Other names: short protein forms G879S.
Identifiers: ClinVar variation 717660 (VCV000717660.7), dbSNP rs549588978, ClinGen allele CA7046305.

ClinVar aggregate classification (germline): Likely benign. Review status: criteria provided, multiple submitters, no conflicts (2 of 4 stars). 3 submissions from 3 submitters: Likely benign (2). 1 of the submissions does not count toward it. Last evaluated 2019-12-31.

Conditions:
IRS2-related disorder. Also called: IRS2-related condition.

Allele frequency attached by ClinVar (database versions not stated): 1000 Genomes Project 0.00200; 1000 Genomes Project 30x 0.00250; gnomAD 0.00276 and 0.00279; TOPMed 0.00288; gnomAD exomes 0.00381; ExAC 0.00648.
gnomAD v4.1: 6,275 of 1,491,042 alleles (0.42%); highest among the groups gnomAD compares: Non-Finnish European, 0.49%; 18 homozygotes.

Submissions (3):

Labcorp Genetics (formerly Invitae), Labcorp
Classification: Likely benign. Last evaluated: 2019-12-31. Review status: criteria provided, single submitter. Criteria: Invitae Variant Classification Sherloc (09022015). Collection method: clinical testing. Allele origin: germline.

Breakthrough Genomics
Classification: Likely benign. Review status: criteria provided, single submitter. Criteria: ACMG Guidelines, 2015. Collection method: not provided. Allele origin: germline. Inheritance: Autosomal dominant inheritance. Affected: yes.

PreventionGenetics, part of Exact Sciences
Classification: Benign for IRS2-related condition. Last evaluated: 2019-09-30. Review status: no assertion criteria provided. Collection method: clinical testing. Allele origin: germline. Not counted in ClinVar's aggregate classification.
Comment: This variant is classified as benign based on ACMG/AMP sequence variant interpretation guidelines (Richards et al. 2015 PMID: 25741868, with internal and published modifications).